The following is an entry in ClinVar:

NM_002250.3(KCNN4):c.1168C>T (p.Arg390Trp)

Gene: KCNN4 (potassium calcium-activated channel subfamily N member 4; minus strand). Cytogenetic location: 19q13.31.
Variant type: single nucleotide variant.
Coding change: c.1168C>T on transcript NM_002250.3 (MANE Select); coding-DNA position 1168, C replaced by T.
Protein change: p.Arg390Trp; replaces arginine 390 with tryptophan.
Molecular consequence: missense variant.
Genome position (GRCh38, 1-based): chr19:43,767,659, G>A on the plus strand (C>T on the coding strand, the complement: KCNN4 is on the minus strand). VCF-style: chr19-43767659-G-A. GRCh37 (hg19) VCF-style: chr19-44271811-G-A.
Other names: short protein forms R390W.
Identifiers: ClinVar variation 4752808 (VCV004752808.1).
Genomic context (GRCh38, chr19:43,767,659, plus strand): 5'-GCAGCTCAGTCAGGGCATCCAGCTTCCCCGCCAGCGTGTCAATCTGTTTCTCCAGGGCCC[G>A]GTGTGAGCTGCTCAGATTCTGCTGCAGGTCATACAGGATCATGTGCATCTGGGTGGGAGG-3'
Protein context (NP_002241.1, residues 380-400): DLQQNLSSSH[Arg390Trp]ALEKQIDTLA

ClinVar aggregate classification (germline): Uncertain significance (1 of 4 stars; one submission).

gnomAD v4.1: 6 of 1,614,032 alleles (0.00037%); highest among the groups gnomAD compares: African/African-American, 0.0053%; no homozygotes.

Submission:

Labcorp Genetics (formerly Invitae), Labcorp
Classification: Uncertain significance. Last evaluated: 2025-10-01. Review status: criteria provided, single submitter. Criteria: Invitae Variant Classification Sherloc (09022015). Collection method: clinical testing. Allele origin: germline.
Comment: This sequence change replaces arginine, which is basic and polar, with tryptophan, which is neutral and slightly polar, at codon 390 of the KCNN4 protein (p.Arg390Trp). This variant is present in population databases (rs200755307, gnomAD 0.007%). This variant has not been reported in the literature in individuals affected with KCNN4-related conditions. Invitae Evidence Modeling of protein sequence and biophysical properties (such as structural, functional, and spatial information, amino acid conservation, physicochemical variation, residue mobility, and thermodynamic stability) has been performed for this missense variant. However, the output from this modeling did not meet the statistical confidence thresholds required to predict the impact of this variant on KCNN4 protein function. In summary, the available evidence is currently insufficient to determine the role of this variant in disease. Therefore, it has been classified as a Variant of Uncertain Significance.